The following is an entry in ClinVar:

ClinVar aggregate classification (germline): Uncertain significance. Review status: criteria provided, multiple submitters, no conflicts (2 of 4 stars). 2 submissions from 2 submitters: Uncertain significance (2). Last evaluated 2022-07-12.

Conditions:
Ehlers-Danlos syndrome, dermatosparaxis type. Also called: EDS VIIC; Ehlers-Danlos syndrome, type VII, autosomal recessive; Dermatosparaxis. Identifiers: Orphanet 1901, MedGen C2700425, MONDO:0009161, OMIM 225410.

Allele frequency attached by ClinVar (database versions not stated): TOPMed below 0.00001; gnomAD 0.00001; gnomAD exomes 0.00001.
gnomAD v4.1: 4 of 1,614,114 alleles (0.00025%); highest among the groups gnomAD compares: Admixed American, 0.0033%; no homozygotes.

Submissions (2):

Labcorp Genetics (formerly Invitae), Labcorp
Classification: Uncertain significance for Ehlers-Danlos syndrome, dermatosparaxis type. Last evaluated: 2022-07-12. Review status: criteria provided, single submitter. Criteria: Invitae Variant Classification Sherloc (09022015). Collection method: clinical testing. Allele origin: germline.
Comment: This sequence change replaces aspartic acid, which is acidic and polar, with asparagine, which is neutral and polar, at codon 353 of the ADAMTS2 protein (p.Asp353Asn). This variant is present in population databases (no rsID available, gnomAD 0.006%). This variant has not been reported in the literature in individuals affected with ADAMTS2-related conditions. ClinVar contains an entry for this variant (Variation ID: 1306736). Algorithms developed to predict the effect of missense changes on protein structure and function are either unavailable or do not agree on the potential impact of this missense change (SIFT: "Deleterious"; PolyPhen-2: "Probably Damaging"; Align-GVGD: "Class C15"). In summary, the available evidence is currently insufficient to determine the role of this variant in disease. Therefore, it has been classified as a Variant of Uncertain Significance.

GeneDx
Classification: Uncertain significance. Last evaluated: 2019-06-27. Review status: criteria provided, single submitter. Criteria: GeneDx Variant Classification Process June 2021. Collection method: clinical testing. Allele origin: germline. Affected: yes.
Comment: Not observed at a significant frequency in large population cohorts (Lek et al., 2016); In silico analysis, which includes protein predictors and evolutionary conservation, supports a deleterious effect

NM_014244.5(ADAMTS2):c.1057G>A (p.Asp353Asn)

Gene: ADAMTS2 (ADAM metallopeptidase with thrombospondin type 1 motif 2; minus strand). Cytogenetic location: 5q35.3.
Variant type: single nucleotide variant.
Coding change: c.1057G>A on transcript NM_014244.5 (MANE Select); coding-DNA position 1057, G replaced by A.
Protein change: p.Asp353Asn; replaces aspartic acid 353 with asparagine.
Molecular consequence: missense variant.
Genome position (GRCh38, 1-based): chr5:179,158,798, C>T on the plus strand (G>A on the coding strand, the complement: ADAMTS2 is on the minus strand). VCF-style: chr5-179158798-C-T. GRCh37 (hg19) VCF-style: chr5-178585799-C-T.
Other names: c.1057G>A, p.Asp353Asn (NM_021599.4); short protein forms D353N.
Identifiers: ClinVar variation 1306736 (VCV001306736.3), dbSNP rs1264410712, ClinGen allele CA362406802.